The following is an entry in ClinVar:

ClinVar aggregate classification (germline): Conflicting classifications of pathogenicity. Review status: criteria provided, conflicting classifications (1 of 4 stars). 2 submissions from 2 submitters: Uncertain significance (1); Likely benign (1). Last evaluated 2026-09-30.

gnomAD v4.1: 34 of 1,613,684 alleles (0.0021%); highest among the groups gnomAD compares: Middle Eastern, 0.016%; no homozygotes.

Submissions (2):

GeneDx
Classification: Uncertain significance. Last evaluated: 2026-09-30. Review status: criteria provided, single submitter. Criteria: GeneDx Variant Classification Process June 2021. Collection method: clinical testing. Allele origin: germline.
Comment: In silico analysis suggests that this missense variant does not alter protein structure/function; Has not been previously published as pathogenic or benign to our knowledge

CeGaT Center for Human Genetics Tuebingen
Classification: Likely benign. Last evaluated: 2025-02-01. Review status: criteria provided, single submitter. Criteria: CeGaT Center For Human Genetics Tuebingen Variant Classification Criteria Version 2. Collection method: clinical testing. Allele origin: germline. Affected: yes. Observed: 1 variant allele.
Comment: SCAF4: BP4

NM_020706.2(SCAF4):c.1974A>G (p.Ile658Met)

Gene: SCAF4 (SR-related CTD associated factor 4; minus strand). Cytogenetic location: 21q22.11.
Variant type: single nucleotide variant.
Coding change: c.1974A>G on transcript NM_020706.2 (MANE Select); coding-DNA position 1974, A replaced by G.
Protein change: p.Ile658Met; replaces isoleucine 658 with methionine.
Molecular consequence: missense variant.
Genome position (GRCh38, 1-based): chr21:31,688,376, T>C on the plus strand (A>G on the coding strand, the complement: SCAF4 is on the minus strand). VCF-style: chr21-31688376-T-C. GRCh37 (hg19) VCF-style: chr21-33060689-T-C.
Other names: c.1929A>G, p.Ile643Met (NM_001145444.1); c.1974A>G, p.Ile658Met (NM_001145445.1); short protein forms I643M, I658M.
Identifiers: ClinVar variation 3372836 (VCV003372836.15).